The following is an entry in ClinVar:

ClinVar aggregate classification (germline): Benign. Review status: criteria provided, multiple submitters, no conflicts (2 of 4 stars). 4 submissions from 4 submitters: Benign (4). Last evaluated 2026-02-04.

Conditions:
Cernunnos-XLF deficiency (IMD124). Also called: SCID, AUTOSOMAL RECESSIVE, T CELL-NEGATIVE, B CELL-NEGATIVE, NK CELL-POSITIVE, WITH MICROCEPHALY, GROWTH RETARDATION, AND SENSITIVITY TO IONIZING RADIATION; NHEJ1 SYNDROME; Severe combined immunodeficiency with sensitivity to ionizing radiation due to NHEJ1 deficiency; SCID, autosomal recessive, T cell-negative, B cell-negative, NK cell-positive, and sensitivity to ionizing radiation due to NHEJ1 deficiency; IMMUNODEFICIENCY 124, SEVERE COMBINED. Identifiers: Orphanet 169079, MedGen C1969799, MONDO:0012650, OMIM 611291.

Allele frequency attached by ClinVar (database versions not stated): gnomAD exomes 0.00416; ExAC 0.00517; gnomAD 0.01626 and 0.01756; 1000 Genomes Project 0.01797; TOPMed 0.01809; ESP Exome Variant Server 0.01830; 1000 Genomes Project 30x 0.02108.
gnomAD v4.1: 4,654 of 1,603,184 alleles (0.29%); highest among the groups gnomAD compares: African/African-American, 5.5%; 122 homozygotes.

Submissions (4):

Labcorp Genetics (formerly Invitae), Labcorp
Classification: Benign for Cernunnos-XLF deficiency. Last evaluated: 2026-02-04. Review status: criteria provided, single submitter. Criteria: Invitae Variant Classification Sherloc (09022015). Collection method: clinical testing. Allele origin: germline.

Women's Health and Genetics/Laboratory Corporation of America, LabCorp
Classification: Benign. Last evaluated: 2026-01-22. Review status: criteria provided, single submitter. Criteria: LabCorp Variant Classification Summary - May 2015. Collection method: clinical testing. Allele origin: germline.

GeneDx
Classification: Benign. Last evaluated: 2013-10-28. Review status: criteria provided, single submitter. Criteria: GeneDx Variant Classification (06012015). Collection method: clinical testing. Allele origin: germline. Affected: yes.
Comment: This variant is considered likely benign or benign based on one or more of the following criteria: it is a conservative change, it occurs at a poorly conserved position in the protein, it is predicted to be benign by multiple in silico algorithms, and/or has population frequency not consistent with disease.

Breakthrough Genomics
Classification: Benign. Review status: criteria provided, single submitter. Criteria: ACMG Guidelines, 2015. Collection method: not provided. Allele origin: germline. Inheritance: Unknown mechanism. Affected: yes.

NM_024782.3(NHEJ1):c.706+7C>A

Genes: NHEJ1 (non-homologous end joining factor 1; minus strand), LOC126806516 (BRD4-independent group 4 enhancer GRCh37_chr2:219941606-219942805; plus strand). Cytogenetic location: 2q35.
Variant type: single nucleotide variant.
Coding change: c.706+7C>A on transcript NM_024782.3 (MANE Select); 7 bases into the intron after coding-DNA position 706, C replaced by A.
Molecular consequence: intron variant. On other transcripts: missense variant (1).
Genome position (GRCh38, 1-based): chr2:219,078,082, G>T on the plus strand (C>A on the coding strand, the complement: NHEJ1 is on the minus strand). VCF-style: chr2-219078082-G-T. GRCh37 (hg19) VCF-style: chr2-219942804-G-T.
Other names: c.713C>A, p.Pro238His (NM_001377499.1); c.706+7C>A (NM_001377498.1); short protein forms P238H.
Identifiers: ClinVar variation 138521 (VCV000138521.14), dbSNP rs6720495, ClinGen allele CA292541.